The following is an entry in ClinVar:

ClinVar aggregate classification (germline): Pathogenic (1 of 4 stars; one submission).

Submission:

Quest Diagnostics Nichols Institute San Juan Capistrano
Classification: Pathogenic. Last evaluated: 2022-12-16. Review status: criteria provided, single submitter. Criteria: ACMG/ClinGen CNV Guidelines, 2019. Collection method: clinical testing. Allele origin: unknown.
Comment: This copy number loss overlaps the interval associated with 18q deletion syndrome (OMIM 601808, Dostal 2009, Li 2021, Eudy 2010, Chao 2010, Feenstra 2011, Yu 2022, Boisson 2022, Zayed 2010). As there are no similar copy number losses of this region in the general populations of the Database of Genomic Variant, this copy number variant (CNV) is classified as pathogenic. References Boisson et al., Prenat Diagn. 2022 Dec;42(13):1627-1635. PMID: 36403094 Chao et al., PLoS One. 2010 May 11;5(5):e10565. PMID: 20485507 Dostal et al., J Craniomaxillofac Surg. 2009 Jul;37(5):272-5. PMID: 19157891 Eudy et al., Am J Med Genet A. 2010 Apr;152A(4):1046-8. PMID: 20358626 Feenstra et al., Am J Hum Genet. 2011 Dec 9;89(6):813-9. PMID: 22152683 Li et al., Front Genet. 2021 Sep 20;12:707411. PMID: 34616427 Yu et al., BMC Med Genomics. 2022 Sep 19;15(1):199. PMID: 36123715 Zayed et al., Am J Med Genet A. 2010 Apr;152A(4):916-23. PMID: 20358601

GRCh37/hg19 18q21.33-23(chr18:60771809-78014123)x1

Genes: ADNP2 (ADNP homeobox 2; plus strand), ATP9B (ATPase phospholipid transporting 9B (putative); plus strand), BCL2 (BCL2 apoptosis regulator; minus strand), C18orf63 (chromosome 18 open reading frame 63; plus strand), CBLN2 (cerebellin 2 precursor; minus strand) and 48 more. Cytogenetic location: 18q21.33-23.
Variant type: copy number loss.
Change: copy number 1 (one copy instead of two) of chr18:60,771,809-78,014,123 (17.24 Mb, GRCh37 coordinates, 1-based), cytogenetic band 18q21.33-23.
Identifiers: ClinVar variation 2685624 (VCV002685624.1).